The following is an entry in ClinVar:

ClinVar aggregate classification (germline): Uncertain significance (1 of 4 stars; one submission).

Conditions:
Hereditary cancer-predisposing syndrome. Also called: Neoplastic Syndromes, Hereditary; Hereditary Cancer Syndrome; Tumor predisposition; Hereditary neoplastic syndrome. Identifiers: Orphanet 140162, MedGen C0027672, MeSH D009386, MONDO:0015356.

Submission:

Ambry Genetics
Classification: Uncertain significance for Hereditary cancer-predisposing syndrome. Last evaluated: 2022-11-21. Review status: criteria provided, single submitter. Criteria: Ambry Variant Classification Scheme 2023. Collection method: clinical testing. Allele origin: germline.
Comment: The p.Q551H variant (also known as c.1653G>T), located in coding exon 12 of the POLD1 gene, results from a G to T substitution at nucleotide position 1653. The glutamine at codon 551 is replaced by histidine, an amino acid with highly similar properties. This amino acid position is conserved. In addition, the in silico prediction for this alteration is inconclusive. Since supporting evidence is limited at this time, the clinical significance of this alteration remains unclear.

NM_002691.4(POLD1):c.1653G>T (p.Gln551His)

Gene: POLD1 (DNA polymerase delta 1, catalytic subunit; plus strand). Cytogenetic location: 19q13.33.
Variant type: single nucleotide variant.
Coding change: c.1653G>T on transcript NM_002691.4 (MANE Select); coding-DNA position 1653, G replaced by T.
Protein change: p.Gln551His; replaces glutamine 551 with histidine.
Molecular consequence: missense variant. On other transcripts: non-coding transcript variant (1).
Genome position (GRCh38, 1-based): chr19:50,407,141, G>T. VCF-style: chr19-50407141-G-T. GRCh37 (hg19) VCF-style: chr19-50910398-G-T.
Other names: c.1653G>T, p.Gln551His (NM_001256849.1, NM_001308632.1); short protein forms Q551H.
Identifiers: ClinVar variation 2448196 (VCV002448196.2), dbSNP rs919580802, ClinGen allele CA406981058.